The following is an entry in ClinVar:

ClinVar aggregate classification (germline): Uncertain significance (1 of 4 stars; one submission).

Conditions:
Familial hemophagocytic lymphohistiocytosis 5. Also called: STXBP2-Related Familial Hemophagocytic Lymphohistiocytosis (STXBP2-fHLH). Identifiers: Orphanet 540, MedGen C2751293, MONDO:0013135, OMIM 613101.

Allele frequency attached by ClinVar (database versions not stated): gnomAD exomes below 0.00001.
gnomAD v4.1: 2 of 1,614,178 alleles (0.00012%); highest among the groups gnomAD compares: East Asian, 0.0022%; no homozygotes.

Submission:

Labcorp Genetics (formerly Invitae), Labcorp
Classification: Uncertain significance for Familial hemophagocytic lymphohistiocytosis 5. Last evaluated: 2020-01-10. Review status: criteria provided, single submitter. Criteria: Invitae Variant Classification Sherloc (09022015). Collection method: clinical testing. Allele origin: germline.
Comment: In summary, the available evidence is currently insufficient to determine the role of this variant in disease. Therefore, it has been classified as a Variant of Uncertain Significance. Algorithms developed to predict the effect of sequence changes on RNA splicing suggest that this variant may create or strengthen a splice site, but this prediction has not been confirmed by published transcriptional studies. Algorithms developed to predict the effect of missense changes on protein structure and function are either unavailable or do not agree on the potential impact of this missense change (SIFT: "Tolerated"; PolyPhen-2: "Probably Damaging"; Align-GVGD: "Class C0"). This variant has not been reported in the literature in individuals with STXBP2-related conditions. This variant is not present in population databases (ExAC no frequency). This sequence change replaces lysine with arginine at codon 46 of the STXBP2 protein (p.Lys46Arg). The lysine residue is highly conserved and there is a small physicochemical difference between lysine and arginine.

NM_006949.4(STXBP2):c.137A>G (p.Lys46Arg)

Gene: STXBP2 (syntaxin binding protein 2; plus strand). Cytogenetic location: 19p13.2.
Variant type: single nucleotide variant.
Coding change: c.137A>G on transcript NM_006949.4 (MANE Select); coding-DNA position 137, A replaced by G.
Protein change: p.Lys46Arg; replaces lysine 46 with arginine.
Molecular consequence: missense variant. On other transcripts: non-coding transcript variant (1).
Genome position (GRCh38, 1-based): chr19:7,639,068, A>G. VCF-style: chr19-7639068-A-G. GRCh37 (hg19) VCF-style: chr19-7703954-A-G.
Other names: c.137A>G, p.Lys46Arg (NM_001127396.3, NM_001272034.2); short protein forms K46R.
Identifiers: ClinVar variation 1002700 (VCV001002700.12), dbSNP rs1358641526, ClinGen allele CA403155393.